The following is an entry in ClinVar:

NM_152393.4(KLHL40):c.1858A>C (p.Lys620Gln)

Gene: KLHL40 (kelch like family member 40; plus strand). Cytogenetic location: 3p22.1.
Variant type: single nucleotide variant.
Coding change: c.1858A>C on transcript NM_152393.4 (MANE Select); coding-DNA position 1858, A replaced by C.
Protein change: p.Lys620Gln; replaces lysine 620 with glutamine.
Molecular consequence: missense variant.
Genome position (GRCh38, 1-based): chr3:42,691,985, A>C. VCF-style: chr3-42691985-A-C. GRCh37 (hg19) VCF-style: chr3-42733477-A-C.
Other names: short protein forms K620Q.
Identifiers: ClinVar variation 950017 (VCV000950017.6), dbSNP rs751003619, ClinGen allele CA352295608.

ClinVar aggregate classification (germline): Uncertain significance (1 of 4 stars; one submission).

Conditions:
Nemaline myopathy 8 (NEM8). Also called: Nemaline myopathy 8, autosomal recessive. Identifiers: Orphanet 171430, MedGen C3809209, MONDO:0014138, OMIM 615348.

Submission:

Labcorp Genetics (formerly Invitae), Labcorp
Classification: Uncertain significance for Nemaline myopathy 8. Last evaluated: 2022-10-17. Review status: criteria provided, single submitter. Criteria: Invitae Variant Classification Sherloc (09022015). Collection method: clinical testing. Allele origin: germline.
Comment: This sequence change replaces lysine, which is basic and polar, with glutamine, which is neutral and polar, at codon 620 of the KLHL40 protein (p.Lys620Gln). This variant is not present in population databases (gnomAD no frequency). This variant has not been reported in the literature in individuals affected with KLHL40-related conditions. ClinVar contains an entry for this variant (Variation ID: 950017). Advanced modeling of protein sequence and biophysical properties (such as structural, functional, and spatial information, amino acid conservation, physicochemical variation, residue mobility, and thermodynamic stability) performed at Invitae indicates that this missense variant is not expected to disrupt KLHL40 protein function. In summary, the available evidence is currently insufficient to determine the role of this variant in disease. Therefore, it has been classified as a Variant of Uncertain Significance.